The following is an entry in ClinVar:

NM_004519.4(KCNQ3):c.1003A>G (p.Thr335Ala)

Gene: KCNQ3 (potassium voltage-gated channel subfamily Q member 3; minus strand). Cytogenetic location: 8q24.22.
Variant type: single nucleotide variant.
Coding change: c.1003A>G on transcript NM_004519.4 (MANE Select); coding-DNA position 1003, A replaced by G.
Protein change: p.Thr335Ala; replaces threonine 335 with alanine.
Molecular consequence: missense variant.
Genome position (GRCh38, 1-based): chr8:132,174,280, T>C on the plus strand (A>G on the coding strand, the complement: KCNQ3 is on the minus strand). VCF-style: chr8-132174280-T-C. GRCh37 (hg19) VCF-style: chr8-133186527-T-C.
Other names: c.643A>G, p.Thr215Ala (NM_001204824.2); short protein forms T215A, T335A.
Identifiers: ClinVar variation 3338725 (VCV003338725.1).

ClinVar aggregate classification (germline): Uncertain significance (1 of 4 stars; one submission).

Submission:

GeneDx
Classification: Uncertain significance. Last evaluated: 2023-09-20. Review status: criteria provided, single submitter. Criteria: GeneDx Variant Classification Process June 2021. Collection method: clinical testing. Allele origin: germline. Affected: yes.
Comment: Not observed at significant frequency in large population cohorts (gnomAD); In silico analysis supports that this missense variant does not alter protein structure/function; Has not been previously published as pathogenic or benign to our knowledge